The following is an entry in ClinVar:

NM_001258392.3(CLPB):c.784C>A (p.Pro262Thr)

Gene: CLPB (ClpB family mitochondrial disaggregase; minus strand). Cytogenetic location: 11q13.4.
Variant type: single nucleotide variant.
Coding change: c.784C>A on transcript NM_001258392.3 (MANE Select); coding-DNA position 784, C replaced by A.
Protein change: p.Pro262Thr; replaces proline 262 with threonine.
Molecular consequence: missense variant.
Genome position (GRCh38, 1-based): chr11:72,329,796, G>T on the plus strand (C>A on the coding strand, the complement: CLPB is on the minus strand). VCF-style: chr11-72329796-G-T. GRCh37 (hg19) VCF-style: chr11-72040840-G-T.
Other names: c.874C>A (NM_030813.5); c.697C>A, p.Pro233Thr (NM_001258393.3); c.739C>A, p.Pro247Thr (NM_001258394.3); c.874C>A, p.Pro292Thr (NM_030813.6); short protein forms P292T, P233T, P247T, P262T.
Identifiers: ClinVar variation 2919714 (VCV002919714.4), dbSNP rs754484869, ClinGen allele CA6171375.
Genomic context (GRCh38, chr11:72,329,796, plus strand): 5'-TCACTTCCCCTTCTCGGGCATAATCCAAGGGTGTGTGTCCCATTTCATTCCTCTGCAGGG[G>T]GTTGGCTCCTGGCAAGAGAAGAAGGATAAACAGAGGCTCTATGAACGATCAGTGGGACCT-3'
Protein context (NP_001245321.1, residues 252-272): VKELLDGGAN[Pro262Thr]LQRNEMGHTP

ClinVar aggregate classification (germline): Uncertain significance. Review status: criteria provided, multiple submitters, no conflicts (2 of 4 stars). 2 submissions from 2 submitters: Uncertain significance (2). Last evaluated 2023-08-11.

Conditions:
3-methylglutaconic aciduria, type VIIB (MGCA7B). Also called: 3-methylglutaconic aciduria with cataracts, neurologic involvement and neutropenia; 3-methylglutaconic aciduria, type VII, with cataracts, neurologic involvement and neutropenia; CLPB Deficiency. Identifiers: Orphanet 445038, MedGen C5676893, MONDO:0014561, OMIM 616271.

Allele frequency attached by ClinVar (database versions not stated): gnomAD 0.00001; ExAC 0.00002; TOPMed 0.00002.

Submissions (2):

Labcorp Genetics (formerly Invitae), Labcorp
Classification: Uncertain significance for 3-methylglutaconic aciduria, type VIIB. Last evaluated: 2023-08-11. Review status: criteria provided, single submitter. Criteria: Invitae Variant Classification Sherloc (09022015). Collection method: clinical testing. Allele origin: germline.
Comment: This variant is present in population databases (rs754484869, gnomAD 0.007%). This sequence change replaces proline, which is neutral and non-polar, with threonine, which is neutral and polar, at codon 292 of the CLPB protein (p.Pro292Thr). This variant has not been reported in the literature in individuals affected with CLPB-related conditions. In summary, the available evidence is currently insufficient to determine the role of this variant in disease. Therefore, it has been classified as a Variant of Uncertain Significance. An algorithm developed to predict the effect of missense changes on protein structure and function (PolyPhen-2) suggests that this variant is likely to be disruptive.

GeneDx
Classification: Uncertain significance. Last evaluated: 2023-06-26. Review status: criteria provided, single submitter. Criteria: GeneDx Variant Classification Process June 2021. Collection method: clinical testing. Allele origin: germline. Affected: yes.
Comment: Not observed at significant frequency in large population cohorts (gnomAD); In silico analysis supports that this missense variant has a deleterious effect on protein structure/function; Has not been previously published as pathogenic or benign to our knowledge